The following is an entry in ClinVar:

NM_001035.3(RYR2):c.13575T>C (p.Ser4525=)

Gene: RYR2 (ryanodine receptor 2; plus strand). Cytogenetic location: 1q43.
Variant type: single nucleotide variant.
Coding change: c.13575T>C on transcript NM_001035.3 (MANE Select); coding-DNA position 13575, T replaced by C.
Protein change: p.Ser4525=; no amino-acid change (serine 4525 retained).
Molecular consequence: synonymous variant.
Genome position (GRCh38, 1-based): chr1:237,792,116, T>C. VCF-style: chr1-237792116-T-C. GRCh37 (hg19) VCF-style: chr1-237955416-T-C.
Identifiers: ClinVar variation 2774413 (VCV002774413.6), dbSNP rs2527918578, ClinGen allele CA423827160.

ClinVar aggregate classification (germline): Likely benign. Review status: criteria provided, multiple submitters, no conflicts (2 of 4 stars). 3 submissions from 3 submitters: Likely benign (3). Last evaluated 2023-07-10.

Conditions:
Catecholaminergic polymorphic ventricular tachycardia (CVPT). Also called: Catecholamine-induced polymorphic ventricular tachycardia. Identifiers: Orphanet 3286, MedGen C5574922, MONDO:0017990.
Cardiomyopathy (CMYO). Also called: Cardiomyopathies. Identifiers: Orphanet 167848, MedGen C0878544, MONDO:0004994, HP:0001638. Inheritance: Various modes of inheritance.
Catecholaminergic polymorphic ventricular tachycardia 1. Also called: VENTRICULAR TACHYCARDIA, STRESS-INDUCED POLYMORPHIC 1; VENTRICULAR TACHYCARDIA, CATECHOLAMINERGIC POLYMORPHIC, 1, WITH OR WITHOUT ATRIAL DYSFUNCTION AND/OR DILATED CARDIOMYOPATHY; RYR2-Related Catecholaminergic Polymorphic Ventricular Tachycardia. Identifiers: Orphanet 3286, MedGen C1631597, MONDO:0011484, OMIM 604772.

Submissions (3):

All of Us Research Program, National Institutes of Health
Classification: Likely benign for Catecholaminergic polymorphic ventricular tachycardia. Last evaluated: 2023-07-10. Review status: criteria provided, single submitter. Criteria: ACMG Guidelines, 2015. Collection method: clinical testing. Allele origin: germline. Inheritance: Autosomal dominant inheritance. Observed: 1 variant allele, 1 heterozygote.
Comment: This study involves interpretation of variants in research participants for the purpose of population health screening. Participant phenotype was not available at the time of variant classification. Additional details can be found in publication PMID: 35346344, PMCID: PMC8962531

Color Diagnostics, LLC DBA Color Health
Classification: Likely benign for Cardiomyopathy. Last evaluated: 2023-05-17. Review status: criteria provided, single submitter. Criteria: ACMG Guidelines, 2015. Collection method: clinical testing. Allele origin: germline.

Labcorp Genetics (formerly Invitae), Labcorp
Classification: Likely benign for Catecholaminergic polymorphic ventricular tachycardia 1. Last evaluated: 2022-11-03. Review status: criteria provided, single submitter. Criteria: Invitae Variant Classification Sherloc (09022015). Collection method: clinical testing. Allele origin: germline.